The following is an entry in ClinVar:

ClinVar aggregate classification (germline): Benign/Likely benign. Review status: criteria provided, multiple submitters, no conflicts (2 of 4 stars). 6 submissions from 5 submitters: Benign (2); Likely benign (3). 1 of the submissions does not count toward it. Last evaluated 2026-01-24.

Conditions:
Weill-Marchesani syndrome. Also called: WM Syndrome; Mesodermal dysmorphodystrophy congenital. Identifiers: Orphanet 3449, MedGen C0265313, MONDO:0018096.
LTBP2-related disorder. Also called: LTBP2-related disorders; LTBP2-related condition.
Glaucoma 3, primary congenital, D. Identifiers: Orphanet 98976, MedGen C2751316, MONDO:0013122, OMIM 613086.

Allele frequency attached by ClinVar (database versions not stated): gnomAD exomes 0.00124 and 0.00345; ExAC 0.00415; 1000 Genomes Project 0.01198; 1000 Genomes Project 30x 0.01202; gnomAD 0.01292 and 0.01390; TOPMed 0.01461; ESP Exome Variant Server 0.01553.
gnomAD v4.1: 3,842 of 1,610,074 alleles (0.24%); highest among the groups gnomAD compares: African/African-American, 4.6%; 100 homozygotes.

Submissions (6):

Labcorp Genetics (formerly Invitae), Labcorp
Classification: Benign. Last evaluated: 2026-01-24. Review status: criteria provided, single submitter. Criteria: Invitae Variant Classification Sherloc (09022015). Collection method: clinical testing. Allele origin: germline.

GeneDx
Classification: Likely benign. Last evaluated: 2020-11-24. Review status: criteria provided, single submitter. Criteria: GeneDx Variant Classification Process June 2021. Collection method: clinical testing. Allele origin: germline. Affected: yes.

Illumina Laboratory Services, Illumina
Classification: Benign for Weill-Marchesani syndrome. Last evaluated: 2018-01-13. Review status: criteria provided, single submitter. Criteria: ICSL Variant Classification Criteria 13 December 2019. Collection method: clinical testing. Allele origin: germline.
Comment: This variant was observed in the ICSL laboratory as part of a predisposition screen in an ostensibly healthy population. It had not been previously curated by ICSL or reported in the Human Gene Mutation Database (HGMD: prior to June 1st, 2018), and was therefore a candidate for classification through an automated scoring system. Utilizing variant allele frequency, disease prevalence and penetrance estimates, and inheritance mode, an automated score was calculated to assess if this variant is too frequent to cause the disease. Based on the score and internal cut-off values, a variant classified as benign is not then subjected to further curation. The score for this variant resulted in a classification of benign for this disease.

Illumina Laboratory Services, Illumina
Classification: Likely benign for Glaucoma 3, primary congenital, D. Last evaluated: 2018-01-13. Review status: criteria provided, single submitter. Criteria: ICSL Variant Classification Criteria 13 December 2019. Collection method: clinical testing. Allele origin: germline.
Comment: This variant was observed in the ICSL laboratory as part of a predisposition screen in an ostensibly healthy population. It had not been previously curated by ICSL or reported in the Human Gene Mutation Database (HGMD: prior to June 1st, 2018), and was therefore a candidate for classification through an automated scoring system. Utilizing variant allele frequency, disease prevalence and penetrance estimates, and inheritance mode, an automated score was calculated to assess if this variant is too frequent to cause the disease. Based on the score and internal cut-off values, a variant classified as likely benign is not then subjected to further curation. The score for this variant resulted in a classification of likely benign for this disease.

Breakthrough Genomics
Classification: Likely benign. Review status: criteria provided, single submitter. Criteria: ACMG Guidelines, 2015. Collection method: not provided. Allele origin: germline. Inheritance: Autosomal recessive inheritance. Affected: yes.

PreventionGenetics, part of Exact Sciences
Classification: Benign for LTBP2-related condition. Last evaluated: 2019-06-18. Review status: no assertion criteria provided. Collection method: clinical testing. Allele origin: germline. Not counted in ClinVar's aggregate classification.
Comment: This variant is classified as benign based on ACMG/AMP sequence variant interpretation guidelines (Richards et al. 2015 PMID: 25741868, with internal and published modifications).

NM_000428.3(LTBP2):c.915G>A (p.Thr305=)

Gene: LTBP2 (latent transforming growth factor beta binding protein 2; minus strand). Cytogenetic location: 14q24.3.
Variant type: single nucleotide variant.
Coding change: c.915G>A on transcript NM_000428.3 (MANE Select); coding-DNA position 915, G replaced by A.
Protein change: p.Thr305=; no amino-acid change (threonine 305 retained).
Molecular consequence: synonymous variant.
Genome position (GRCh38, 1-based): chr14:74,555,609, C>T on the plus strand (G>A on the coding strand, the complement: LTBP2 is on the minus strand). VCF-style: chr14-74555609-C-T. GRCh37 (hg19) VCF-style: chr14-75022312-C-T.
Identifiers: ClinVar variation 768665 (VCV000768665.20), dbSNP rs60337900, ClinGen allele CA7270042.